The following is an entry in ClinVar:

ClinVar aggregate classification (germline): Uncertain significance. Review status: criteria provided, multiple submitters, no conflicts (2 of 4 stars). 3 submissions from 3 submitters: Uncertain significance (3). Last evaluated 2021-08-20.

Conditions:
Congenital myasthenic syndrome 10. Also called: Myasthenia, limb-girdle, familial. Identifiers: Orphanet 590, MedGen C1850792, MONDO:0009690, OMIM 254300.
Fetal akinesia deformation sequence 1 (FADS1). Also called: Pena-Shokeir syndrome type I; Fetal akinesia sequence. Identifiers: Orphanet 994, MedGen C1276035, MONDO:0100101, OMIM 208150, HP:0001989.

Allele frequency attached by ClinVar (database versions not stated): TOPMed 0.00002.
gnomAD v4.1: 16 of 1,556,324 alleles (0.001%); highest among the groups gnomAD compares: South Asian, 0.0035%; no homozygotes.

Submissions (3):

Labcorp Genetics (formerly Invitae), Labcorp
Classification: Uncertain significance for Congenital myasthenic syndrome 10; Fetal akinesia deformation sequence 1. Last evaluated: 2021-08-20. Review status: criteria provided, single submitter. Criteria: Invitae Variant Classification Sherloc (09022015). Collection method: clinical testing. Allele origin: germline.
Comment: This sequence change replaces proline with arginine at codon 319 of the DOK7 protein (p.Pro319Arg). The proline residue is moderately conserved and there is a moderate physicochemical difference between proline and arginine. This variant is present in population databases (rs376334067, ExAC 0.01%). This variant has not been reported in the literature in individuals affected with DOK7-related conditions. Algorithms developed to predict the effect of missense changes on protein structure and function are either unavailable or do not agree on the potential impact of this missense change (SIFT: "Tolerated"; PolyPhen-2: "Possibly Damaging"; Align-GVGD: "Class C0"). In summary, the available evidence is currently insufficient to determine the role of this variant in disease. Therefore, it has been classified as a Variant of Uncertain Significance.

Revvity Omics, Revvity
Classification: Uncertain significance. Last evaluated: 2019-05-03. Review status: criteria provided, single submitter. Criteria: ACMG Guidelines, 2015. Collection method: clinical testing. Allele origin: germline.

Breakthrough Genomics
Classification: Uncertain significance. Review status: criteria provided, single submitter. Criteria: ACMG Guidelines, 2015. Collection method: not provided. Allele origin: germline. Inheritance: Autosomal recessive inheritance. Affected: yes.

NM_173660.5(DOK7):c.956C>G (p.Pro319Arg)

Gene: DOK7 (docking protein 7; plus strand). Cytogenetic location: 4p16.3.
Variant type: single nucleotide variant.
Coding change: c.956C>G on transcript NM_173660.5 (MANE Select); coding-DNA position 956, C replaced by G.
Protein change: p.Pro319Arg; replaces proline 319 with arginine.
Molecular consequence: missense variant. On other transcripts: 3 prime UTR variant (1).
Genome position (GRCh38, 1-based): chr4:3,492,942, C>G. VCF-style: chr4-3492942-C-G. GRCh37 (hg19) VCF-style: chr4-3494669-C-G.
Other names: c.*177C>G (NM_001164673.2); c.26C>G, p.Pro9Arg (NM_001256896.2); c.956C>G, p.Pro319Arg (NM_001301071.2); c.524C>G, p.Pro175Arg (NM_001363811.2); short protein forms P175R, P319R, P9R.
Identifiers: ClinVar variation 864356 (VCV000864356.10), dbSNP rs376334067, ClinGen allele CA2829301.